The following is an entry in ClinVar:

NM_001384732.1(CPLANE1):c.3595C>T (p.Arg1199Trp)

Gene: CPLANE1 (ciliogenesis and planar polarity effector complex subunit 1; minus strand). Cytogenetic location: 5p13.2.
Variant type: single nucleotide variant.
Coding change: c.3595C>T on transcript NM_001384732.1 (MANE Select); coding-DNA position 3595, C replaced by T.
Protein change: p.Arg1199Trp; replaces arginine 1199 with tryptophan.
Molecular consequence: missense variant.
Genome position (GRCh38, 1-based): chr5:37,198,779, G>A on the plus strand (C>T on the coding strand, the complement: CPLANE1 is on the minus strand). VCF-style: chr5-37198779-G-A. GRCh37 (hg19) VCF-style: chr5-37198881-G-A.
Other names: c.3595C>T, p.Arg1199Trp (NM_023073.4); short protein forms R1199W.
Identifiers: ClinVar variation 353454 (VCV000353454.12), dbSNP rs374075447, ClinGen allele CA3238907.

ClinVar aggregate classification (germline): Uncertain significance. Review status: criteria provided, multiple submitters, no conflicts (2 of 4 stars). 2 submissions from 2 submitters: Uncertain significance (2). Last evaluated 2025-01-21.

Conditions:
Joubert syndrome 17 (JBTS17). Identifiers: Orphanet 475, MedGen C3553264, MONDO:0013824, OMIM 614615.

Allele frequency attached by ClinVar (database versions not stated): ExAC 0.00002; gnomAD exomes 0.00002; TOPMed 0.00003.
gnomAD v4.1: 26 of 1,614,048 alleles (0.0016%); highest among the groups gnomAD compares: Admixed American, 0.0083%; no homozygotes.

Submissions (2):

Labcorp Genetics (formerly Invitae), Labcorp
Classification: Uncertain significance. Last evaluated: 2025-01-21. Review status: criteria provided, single submitter. Criteria: Invitae Variant Classification Sherloc (09022015). Collection method: clinical testing. Allele origin: germline.
Comment: This sequence change replaces arginine, which is basic and polar, with tryptophan, which is neutral and slightly polar, at codon 1199 of the CPLANE1 protein (p.Arg1199Trp). This variant is present in population databases (rs374075447, gnomAD 0.01%). This variant has not been reported in the literature in individuals affected with CPLANE1-related conditions. ClinVar contains an entry for this variant (Variation ID: 353454). Invitae Evidence Modeling of protein sequence and biophysical properties (such as structural, functional, and spatial information, amino acid conservation, physicochemical variation, residue mobility, and thermodynamic stability) indicates that this missense variant is not expected to disrupt CPLANE1 protein function with a negative predictive value of 95%. In summary, the available evidence is currently insufficient to determine the role of this variant in disease. Therefore, it has been classified as a Variant of Uncertain Significance.

Illumina Laboratory Services, Illumina
Classification: Uncertain significance for Joubert syndrome 17. Last evaluated: 2018-01-13. Review status: criteria provided, single submitter. Criteria: ICSL Variant Classification Criteria 13 December 2019. Collection method: clinical testing. Allele origin: germline.